The following is an entry in ClinVar:

ClinVar aggregate classification (germline): Uncertain significance. Review status: criteria provided, multiple submitters, no conflicts (2 of 4 stars). 2 submissions from 2 submitters: Uncertain significance (2). Last evaluated 2025-10-21.

Allele frequency attached by ClinVar (database versions not stated): ExAC 0.00003; gnomAD 0.00007; TOPMed 0.00011; ESP Exome Variant Server 0.00023.
gnomAD v4.1: 27 of 1,610,548 alleles (0.0017%); highest among the groups gnomAD compares: African/African-American, 0.028%; no homozygotes.

Submissions (2):

Labcorp Genetics (formerly Invitae), Labcorp
Classification: Uncertain significance. Last evaluated: 2025-10-21. Review status: criteria provided, single submitter. Criteria: Invitae Variant Classification Sherloc (09022015). Collection method: clinical testing. Allele origin: germline.
Comment: This sequence change replaces tryptophan, which is neutral and slightly polar, with cysteine, which is neutral and slightly polar, at codon 242 of the IL23R protein (p.Trp242Cys). This variant is present in population databases (rs369986474, gnomAD 0.03%). This variant has not been reported in the literature in individuals affected with IL23R-related conditions. ClinVar contains an entry for this variant (Variation ID: 2186602). An algorithm developed to predict the effect of missense changes on protein structure and function (PolyPhen-2) suggests that this variant is likely to be disruptive. In summary, the available evidence is currently insufficient to determine the role of this variant in disease. Therefore, it has been classified as a Variant of Uncertain Significance.

Ambry Genetics
Classification: Uncertain significance. Last evaluated: 2025-09-24. Review status: criteria provided, single submitter. Criteria: Ambry Variant Classification Scheme 2023. Collection method: clinical testing. Allele origin: germline.
Comment: The c.726G>T (p.W242C) alteration is located in exon 6 (coding exon 5) of the IL23R gene. This alteration results from a G to T substitution at nucleotide position 726, causing the tryptophan (W) at amino acid position 242 to be replaced by a cysteine (C). Based on data from gnomAD, the T allele has an overall frequency of 0.003% (9/282110) total alleles studied. The highest observed frequency was 0.036% (9/24826) of African alleles. Based on insufficient or conflicting evidence, the clinical significance of this alteration remains unclear.

NM_144701.3(IL23R):c.726G>T (p.Trp242Cys)

Gene: IL23R (interleukin 23 receptor; plus strand). Cytogenetic location: 1p31.3.
Variant type: single nucleotide variant.
Coding change: c.726G>T on transcript NM_144701.3 (MANE Select); coding-DNA position 726, G replaced by T.
Protein change: p.Trp242Cys; replaces tryptophan 242 with cysteine.
Molecular consequence: missense variant.
Genome position (GRCh38, 1-based): chr1:67,206,983, G>T. VCF-style: chr1-67206983-G-T. GRCh37 (hg19) VCF-style: chr1-67672666-G-T.
Other names: c.726G>T (NM_144701.2); short protein forms W242C.
Identifiers: ClinVar variation 2186602 (VCV002186602.6), dbSNP rs369986474, ClinGen allele CA899804.